The following is an entry in ClinVar:

ClinVar aggregate classification (germline): Benign/Likely benign. Review status: criteria provided, multiple submitters, no conflicts (2 of 4 stars). 4 submissions from 4 submitters: Benign (1); Likely benign (1). 2 of the submissions do not count toward it. Last evaluated 2024-11-21.

Conditions:
GATA4-related disorder. Also called: GATA4-related condition. Identifiers: MedGen CN860321.
Congenital heart disease (CHD). Identifiers: MedGen C0152021, MONDO:0005453. Disease mechanism: unknown.

Allele frequency attached by ClinVar (database versions not stated): 1000 Genomes Project 30x 0.00141; 1000 Genomes Project 0.00160.
gnomAD v4.1: 604 of 914,874 alleles (0.066%); highest among the groups gnomAD compares: South Asian, 0.55%; 7 homozygotes.

Submissions (4):

Blueprint Genetics
Classification: Likely benign. Last evaluated: 2024-11-21. Review status: criteria provided, single submitter. Criteria: ACMG Guidelines, 2015. Collection method: clinical testing. Allele origin: germline.

Mendelics
Classification: Benign. Last evaluated: 2022-05-04. Review status: criteria provided, single submitter. Criteria: Mendelics Assertion Criteria 2019. Collection method: clinical testing. Allele origin: germline.

PreventionGenetics, part of Exact Sciences
Classification: Benign for GATA4-related condition. Last evaluated: 2024-05-08. Review status: no assertion criteria provided. Collection method: clinical testing. Allele origin: germline. Not counted in ClinVar's aggregate classification.
Comment: This variant is classified as benign based on ACMG/AMP sequence variant interpretation guidelines (Richards et al. 2015 PMID: 25741868, with internal and published modifications).

Central Research Laboratory, Sri Devaraj Urs Academy of Higher Education and Research
Classification: Pathogenic for Congenital heart disease. Last evaluated: 2017-01-07. Review status: no assertion criteria provided. Collection method: clinical testing. Allele origin: unknown. Affected: yes. Observed: 1 variant allele. Not counted in ClinVar's aggregate classification.
Comment: This variant, NG_008177.2:g.83318G>T, leads to the formation of SF2/ASF ISE motif and ISS Motif 2.

Literature cited by the submitters: PubMed 27426723 (cited by Central Research Laboratory, Sri Devaraj Urs Academy of Higher Education and Research).

NM_001308093.3(GATA4):c.1000+103G>T

Gene: GATA4 (GATA binding protein 4). Cytogenetic location: 8p23.1.
Variant type: single nucleotide variant.
Coding change: c.1000+103G>T on transcript NM_001308093.3 (MANE Select); 103 bases into the intron after coding-DNA position 1000, G replaced by T.
Molecular consequence: intron variant.
Genome position (GRCh38, 1-based): chr8:11,755,236, G>T. VCF-style: chr8-11755236-G-T. GRCh37 (hg19) VCF-style: chr8-11612745-G-T.
Other names: c.379+103G>T (NM_001308094.2, NM_001374273.1); c.997+103G>T (NM_002052.5, NM_002052.4); c.253+103G>T (NM_001374274.1).
Identifiers: ClinVar variation 433019 (VCV000433019.5), dbSNP rs113049875, ClinGen allele CA172119377.